The following is an entry in ClinVar:

NM_002474.3(MYH11):c.5698C>T (p.Arg1900Cys)

Genes: MYH11 (myosin heavy chain 11; minus strand), NDE1 (nudE neurodevelopment protein 1; plus strand). Cytogenetic location: 16p13.11.
Variant type: single nucleotide variant.
Coding change: c.5698C>T on transcript NM_002474.3 (MANE Select); coding-DNA position 5698, C replaced by T.
Protein change: p.Arg1900Cys; replaces arginine 1900 with cysteine.
Molecular consequence: missense variant. On other transcripts: intron variant (2).
Genome position (GRCh38, 1-based): chr16:15,714,997, G>A on the plus strand (C>T on the coding strand, the complement: MYH11 is on the minus strand). VCF-style: chr16-15714997-G-A. GRCh37 (hg19) VCF-style: chr16-15808854-G-A.
Other names: c.5719C>T, p.Arg1907Cys (NM_001040113.2, NM_001040114.2); c.5698C>T, p.Arg1900Cys (NM_022844.3); c.948-9194G>A (NM_001143979.2, NM_017668.3); short protein forms R1907C, R1900C.
Identifiers: ClinVar variation 3915419 (VCV003915419.1).

ClinVar aggregate classification (germline): Uncertain significance (1 of 4 stars; one submission).

Conditions:
Familial thoracic aortic aneurysm and aortic dissection (TAAD). Also called: Thoracic aortic aneurysms and dissections. Identifiers: Orphanet 91387, MedGen C4707243, MONDO:0019625.

gnomAD v4.1: 13 of 1,613,888 alleles (0.00081%); highest among the groups gnomAD compares: Non-Finnish European, 0.0011%; no homozygotes.

Submission:

Ambry Genetics
Classification: Uncertain significance for Familial thoracic aortic aneurysm and aortic dissection. Last evaluated: 2025-05-18. Review status: criteria provided, single submitter. Criteria: Ambry Variant Classification Scheme 2023. Collection method: clinical testing. Allele origin: germline.
Comment: The p.R1900C variant (also known as c.5698C>T), located in coding exon 39 of the MYH11 gene, results from a C to T substitution at nucleotide position 5698. The arginine at codon 1900 is replaced by cysteine, an amino acid with highly dissimilar properties. This amino acid position is conserved. In addition, the in silico prediction for this alteration is inconclusive. Based on the available evidence, the clinical significance of this variant remains unclear.